The following is an entry in ClinVar:

ClinVar aggregate classification (germline): Conflicting classifications of pathogenicity. Review status: criteria provided, conflicting classifications (1 of 4 stars). 4 submissions from 4 submitters: Uncertain significance (2); Likely benign (2). Last evaluated 2025-06-17.

Conditions:
ELOVL4-related disorder. Also called: ELOVL4-related condition; ELOVL4-related disorders.

Allele frequency attached by ClinVar (database versions not stated): gnomAD 0.00005; gnomAD exomes 0.00006 and 0.00012; ESP Exome Variant Server 0.00008; TOPMed 0.00009; ExAC 0.00018.
gnomAD v4.1: 104 of 1,613,624 alleles (0.0064%); highest among the groups gnomAD compares: South Asian, 0.024%; no homozygotes.

Submissions (4):

Labcorp Genetics (formerly Invitae), Labcorp
Classification: Uncertain significance. Last evaluated: 2025-06-17. Review status: criteria provided, single submitter. Criteria: Invitae Variant Classification Sherloc (09022015). Collection method: clinical testing. Allele origin: germline.
Comment: This sequence change replaces threonine, which is neutral and polar, with alanine, which is neutral and non-polar, at codon 202 of the ELOVL4 protein (p.Thr202Ala). This variant is present in population databases (rs376577129, gnomAD 0.2%). This variant has not been reported in the literature in individuals affected with ELOVL4-related conditions. ClinVar contains an entry for this variant (Variation ID: 940978). Invitae Evidence Modeling of protein sequence and biophysical properties (such as structural, functional, and spatial information, amino acid conservation, physicochemical variation, residue mobility, and thermodynamic stability) indicates that this missense variant is not expected to disrupt ELOVL4 protein function with a negative predictive value of 80%. In summary, the available evidence is currently insufficient to determine the role of this variant in disease. Therefore, it has been classified as a Variant of Uncertain Significance.

PreventionGenetics, part of Exact Sciences
Classification: Likely benign for ELOVL4-related condition. Last evaluated: 2025-05-18. Review status: criteria provided, single submitter. Criteria: ACMG Guidelines, 2015. Collection method: clinical testing. Allele origin: germline.
Comment: This variant is classified as likely benign based on ACMG/AMP sequence variant interpretation guidelines (Richards et al. 2015 PMID: 25741868, with internal and published modifications).

Blueprint Genetics
Classification: Likely benign. Last evaluated: 2024-06-21. Review status: criteria provided, single submitter. Criteria: ACMG Guidelines, 2015. Collection method: clinical testing. Allele origin: germline.

CeGaT Center for Human Genetics Tuebingen
Classification: Uncertain significance. Last evaluated: 2024-03-01. Review status: criteria provided, single submitter. Criteria: CeGaT Center For Human Genetics Tuebingen Variant Classification Criteria Version 2. Collection method: clinical testing. Allele origin: germline. Affected: yes. Observed: 1 variant allele.
Comment: ELOVL4: PM2, BP4

NM_022726.4(ELOVL4):c.604A>G (p.Thr202Ala)

Gene: ELOVL4 (ELOVL fatty acid elongase 4; minus strand). Cytogenetic location: 6q14.1.
Variant type: single nucleotide variant.
Coding change: c.604A>G on transcript NM_022726.4 (MANE Select); coding-DNA position 604, A replaced by G.
Protein change: p.Thr202Ala; replaces threonine 202 with alanine.
Molecular consequence: missense variant.
Genome position (GRCh38, 1-based): chr6:79,919,485, T>C on the plus strand (A>G on the coding strand, the complement: ELOVL4 is on the minus strand). VCF-style: chr6-79919485-T-C. GRCh37 (hg19) VCF-style: chr6-80629202-T-C.
Other names: short protein forms T202A.
Identifiers: ClinVar variation 940978 (VCV000940978.30), dbSNP rs376577129, ClinGen allele CA3901498.
Genomic context (GRCh38, chr6:79,919,485, plus strand): 5'-GCAACATAGTCAGGTATCGTTTCCACCAAAGATATTTCTGAATCCATGGGCCAAATGCAG[T>C]TAACCCATAGTATGAGTACATAATCACATGGATAAAGGAATTCAACTGGGCTCCAAAAAA-3'
Protein context (NP_073563.1, residues 192-212): HVIMYSYYGL[Thr202Ala]AFGPWIQKYL